The following is an entry in ClinVar:

ClinVar aggregate classification (germline): Pathogenic (1 of 4 stars; one submission).

Conditions:
Ataxia-telangiectasia syndrome (AT). Also called: LOUIS-BAR SYNDROME; Ataxia-telangiectasia, complementation group D; AT, COMPLEMENTATION GROUP C; Cerebello-oculocutaneous telangiectasia; Immunodeficiency with ataxia telangiectasia; ATAXIA-TELANGIECTASIA, COMPLEMENTATION GROUP A. Identifiers: Orphanet 100, MedGen C0004135, MONDO:0008840, OMIM 208900.

Submission:

Labcorp Genetics (formerly Invitae), Labcorp
Classification: Pathogenic for Ataxia-telangiectasia syndrome. Last evaluated: 2024-10-24. Review status: criteria provided, single submitter. Criteria: Invitae Variant Classification Sherloc (09022015). Collection method: clinical testing. Allele origin: germline.
Comment: This sequence change creates a premature translational stop signal (p.Leu546Thrfs*20) in the ATM gene. It is expected to result in an absent or disrupted protein product. Loss-of-function variants in ATM are known to be pathogenic (PMID: 23807571, 25614872). This variant is not present in population databases (gnomAD no frequency). This variant has not been reported in the literature in individuals affected with ATM-related conditions. ClinVar contains an entry for this variant (Variation ID: 1069974). For these reasons, this variant has been classified as Pathogenic.

Literature cited by the submitters: PubMed 23807571; PubMed 25614872.

NM_000051.4(ATM):c.1635dup (p.Leu546fs)

Gene: ATM (ATM serine/threonine kinase; plus strand). Cytogenetic location: 11q22.3.
Variant type: Duplication.
Coding change: c.1635dup on transcript NM_000051.4 (MANE Select); coding-DNA position 1635, one base duplicated (A; older notation c.1635dupA).
Protein change: p.Leu546fs; shifts the reading frame from leucine 546.
Molecular consequence: frameshift variant.
Genome position (GRCh38, 1-based): chr11:108,251,864, A duplicated. VCF-style (leftmost placement, unchanged base first): chr11-108251863-C-CA. GRCh37 (hg19) VCF-style: chr11-108122590-C-CA.
Other names: c.1635dup, p.Leu546fs (NM_001351834.2); short protein forms L546fs.
Identifiers: ClinVar variation 1069974 (VCV001069974.7), dbSNP rs2135339476, ClinGen allele CA2499220571.